The following is an entry in ClinVar:

NM_001083116.3(PRF1):c.1238G>T (p.Gly413Val)

Gene: PRF1 (perforin 1; minus strand). Cytogenetic location: 10q22.1.
Variant type: single nucleotide variant.
Coding change: c.1238G>T on transcript NM_001083116.3 (MANE Select); coding-DNA position 1238, G replaced by T.
Protein change: p.Gly413Val; replaces glycine 413 with valine.
Molecular consequence: missense variant.
Genome position (GRCh38, 1-based): chr10:70,598,483, C>A on the plus strand (G>T on the coding strand, the complement: PRF1 is on the minus strand). VCF-style: chr10-70598483-C-A. GRCh37 (hg19) VCF-style: chr10-72358239-C-A.
Other names: c.1238G>T, p.Gly413Val (NM_005041.6); short protein forms G413V.
Identifiers: ClinVar variation 971287 (VCV000971287.1), dbSNP rs1382419327, ClinGen allele CA376956503.

ClinVar aggregate classification (germline): Uncertain significance (1 of 4 stars; one submission).

Conditions:
Familial hemophagocytic lymphohistiocytosis 2 (FHL2). Also called: PRF1-Related Familial Hemophagocytic Lymphohistiocytosis (PRF1-fHLH). Identifiers: Orphanet 540, MedGen C1863727, MONDO:0011337, OMIM 603553.

Allele frequency attached by ClinVar (database versions not stated): gnomAD exomes below 0.00001; TOPMed below 0.00001.

Submission:

Labcorp Genetics (formerly Invitae), Labcorp
Classification: Uncertain significance for Familial hemophagocytic lymphohistiocytosis 2. Last evaluated: 2019-10-29. Review status: criteria provided, single submitter. Criteria: Invitae Variant Classification Sherloc (09022015). Collection method: clinical testing. Allele origin: germline.
Comment: This sequence change replaces glycine with valine at codon 413 of the PRF1 protein (p.Gly413Val). The glycine residue is highly conserved and there is a moderate physicochemical difference between glycine and valine. This variant is not present in population databases (ExAC no frequency). This variant has been observed in individual(s) with Hemophagocytic lymphohistiocytosis (Invitae). In at least one individual the data is consistent with the variant being in trans (on the opposite chromosome) from a pathogenic variant. Algorithms developed to predict the effect of missense changes on protein structure and function (SIFT, PolyPhen-2, Align-GVGD) all suggest that this variant is likely to be disruptive, but these predictions have not been confirmed by published functional studies and their clinical significance is uncertain. In summary, the available evidence is currently insufficient to determine the role of this variant in disease. Therefore, it has been classified as a Variant of Uncertain Significance.